The following is an entry in ClinVar:

ClinVar aggregate classification (germline): Likely pathogenic (1 of 4 stars; one submission).

Conditions:
Autosomal recessive limb-girdle muscular dystrophy type 2J (LGMDR10). Also called: Limb-girdle muscular dystrophy, type 2J; MUSCULAR DYSTROPHY, LIMB-GIRDLE, AUTOSOMAL RECESSIVE 10. Identifiers: Orphanet 140922, MedGen C1837342, MONDO:0012127, OMIM 608807.
Dilated cardiomyopathy 1G (CMD1G). Identifiers: Orphanet 154, MedGen C1858763, MONDO:0011400, OMIM 604145.

Submission:

Labcorp Genetics (formerly Invitae), Labcorp
Classification: Likely pathogenic for Dilated cardiomyopathy 1G; Autosomal recessive limb-girdle muscular dystrophy type 2J. Last evaluated: 2025-07-30. Review status: criteria provided, single submitter. Criteria: Invitae Variant Classification Sherloc (09022015). Collection method: clinical testing. Allele origin: germline.
Comment: This sequence change creates a premature translational stop signal (p.Trp4637*) in the TTN gene. While this is not anticipated to result in nonsense mediated decay, it is expected to create a truncated TTN protein. This variant is not present in population databases (gnomAD no frequency). This variant has not been reported in the literature in individuals affected with TTN-related conditions. ClinVar contains an entry for this variant (Variation ID: 1960506). This variant is located in the I band of TTN (PMID: 25589632). Truncating variants in this region have been reported in individuals affected with autosomal recessive centronuclear myopathy (PMID: 23975875, internal data). Truncating variants in this region have also been identified in individuals affected with autosomal dominant dilated cardiomyopathy and/or cardio-related conditions (PMID: 27869827, 32964742, internal data). In summary, the currently available evidence indicates that the variant is pathogenic, but additional data are needed to prove that conclusively. Therefore, this variant has been classified as Likely Pathogenic.

Literature cited by the submitters: PubMed 25589632; PubMed 23975875; PubMed 27869827; PubMed 32964742.

NM_001267550.2(TTN):c.13911G>A (p.Trp4637Ter)

Gene: TTN (titin; minus strand). Cytogenetic location: 2q31.2.
Variant type: single nucleotide variant.
Coding change: c.13911G>A on transcript NM_001267550.2 (MANE Select); coding-DNA position 13911, G replaced by A.
Protein change: p.Trp4637Ter; replaces tryptophan 4637 with a stop codon.
Molecular consequence: nonsense. On other transcripts: intron variant (1).
Genome position (GRCh38, 1-based): chr2:178,739,322, C>T on the plus strand (G>A on the coding strand, the complement: TTN is on the minus strand). VCF-style: chr2-178739322-C-T. GRCh37 (hg19) VCF-style: chr2-179604049-C-T.
Other names: c.12960G>A, p.Trp4320Ter (NM_001256850.1); c.12822G>A, p.Trp4274Ter (NM_003319.4); c.13197G>A, p.Trp4399Ter (NM_133432.3); c.13398G>A, p.Trp4466Ter (NM_133437.4); c.10361-962G>A (NM_133378.4); short protein forms W4399*, W4274*, W4637*, W4320*, W4466*.
Identifiers: ClinVar variation 1960506 (VCV001960506.5), dbSNP rs2530598405, ClinGen allele CA349605786.